The following is an entry in ClinVar:

ClinVar aggregate classification (germline): Benign (1 of 4 stars; one submission).

Conditions:
Familial adenomatous polyposis 1 (FAP1). Also called: POLYPOSIS, ADENOMATOUS INTESTINAL; FAMILIAL ADENOMATOUS POLYPOSIS 1, ATTENUATED. Identifiers: MedGen C2713442, MONDO:0021056, OMIM 175100. Disease mechanism: loss of function.

Submission:

Myriad Genetics, Inc.
Classification: Benign for Familial adenomatous polyposis 1. Last evaluated: 2024-03-01. Review status: criteria provided, single submitter. Criteria: Myriad Autosomal Dominant, Autosomal Recessive and X-Linked Classification Criteria (2023). Collection method: clinical testing. Allele origin: unknown.
Comment: This variant is considered benign. This variant is a silent/synonymous amino acid change and it is not expected to impact splicing.

NM_000038.6(APC):c.1308T>C (p.Asn436=)

Gene: APC (APC regulator of Wnt signaling pathway; plus strand). Cytogenetic location: 5q22.2.
Variant type: single nucleotide variant.
Coding change: c.1308T>C on transcript NM_000038.6 (MANE Select); coding-DNA position 1308, T replaced by C.
Protein change: p.Asn436=; no amino-acid change (asparagine 436 retained).
Molecular consequence: synonymous variant. On other transcripts: non-coding transcript variant (2).
Genome position (GRCh38, 1-based): chr5:112,819,340, T>C. VCF-style: chr5-112819340-T-C. GRCh37 (hg19) VCF-style: chr5-112155037-T-C.
Other names: c.1308T>C, p.Asn436= (NM_001127510.3, NM_001354895.2, NM_001354896.2 and 4 more transcripts); c.1254T>C, p.Asn418= (NM_001127511.3); c.1338T>C, p.Asn446= (NM_001354897.2, NM_001407446.1); c.1233T>C, p.Asn411= (NM_001354898.2, NM_001407451.1); c.1224T>C, p.Asn408= (NM_001354899.2, NM_001407452.1); c.1131T>C, p.Asn377= (NM_001354900.2, NM_001354901.2, NM_001407453.1); c.1035T>C, p.Asn345= (NM_001354902.2); c.1005T>C, p.Asn335= (NM_001354903.2, NM_001407454.1, NM_001407455.1 and 5 more transcripts); and 5 more.
Identifiers: ClinVar variation 3148474 (VCV003148474.1), dbSNP rs1580531932, ClinGen allele CA445960400.